The following is an entry in ClinVar:

ClinVar aggregate classification (germline): Uncertain significance (1 of 4 stars; one submission).

Conditions:
Inborn genetic diseases. Identifiers: MedGen C0950123, MeSH D030342.

gnomAD v4.1: 6 of 1,607,720 alleles (0.00037%); highest among the groups gnomAD compares: Middle Eastern, 0.085%; no homozygotes.

Submission:

Ambry Genetics
Classification: Uncertain significance for Inborn genetic diseases. Last evaluated: 2025-02-15. Review status: criteria provided, single submitter. Criteria: Ambry Variant Classification Scheme 2023. Collection method: clinical testing. Allele origin: germline.
Comment: The p.S194C variant (also known as c.581C>G), located in coding exon 3 of the ERCC6L2 gene, results from a C to G substitution at nucleotide position 581. The serine at codon 194 is replaced by cysteine, an amino acid with dissimilar properties. This amino acid position is conserved. In addition, this alteration is predicted to be tolerated by in silico analysis. Based on the available evidence, the clinical significance of this variant remains unclear.

NM_020207.7(ERCC6L2):c.581C>G (p.Ser194Cys)

Gene: ERCC6L2 (ERCC excision repair 6 like 2; plus strand). Cytogenetic location: 9q22.32.
Variant type: single nucleotide variant.
Coding change: c.581C>G on transcript NM_020207.7 (MANE Select); coding-DNA position 581, C replaced by G.
Protein change: p.Ser194Cys; replaces serine 194 with cysteine.
Molecular consequence: missense variant. On other transcripts: non-coding transcript variant (1).
Genome position (GRCh38, 1-based): chr9:95,897,958, C>G. VCF-style: chr9-95897958-C-G. GRCh37 (hg19) VCF-style: chr9-98660240-C-G.
Other names: c.581C>G, p.Ser194Cys (NM_001010895.4, NM_001375291.1, NM_001375292.1 and 2 more transcripts); short protein forms S194C.
Identifiers: ClinVar variation 3845937 (VCV003845937.1).
Genomic context (GRCh38, chr9:95,897,958, plus strand): 5'-ATATTGAAAATAACATGCCAGAGTTTTTACTAAGAAGTATGAAAAAGGAACCCCTTTCTT[C>G]TACAGCAAAAAAGGTAAAATCTCTAGACAATGTATATTCTACTCATGATGCTGGTATTAC-3'
Protein context (NP_064592.3, residues 184-204): LRSMKKEPLS[Ser194Cys]TAKKMFLIVA